The following is an entry in ClinVar:

NM_014629.4(ARHGEF10):c.3869C>T (p.Ser1290Leu)

Gene: ARHGEF10 (Rho guanine nucleotide exchange factor 10; plus strand). Cytogenetic location: 8p23.3.
Variant type: single nucleotide variant.
Coding change: c.3869C>T on transcript NM_014629.4 (MANE Select); coding-DNA position 3869, C replaced by T.
Protein change: p.Ser1290Leu; replaces serine 1290 with leucine.
Molecular consequence: missense variant.
Genome position (GRCh38, 1-based): chr8:1,957,097, C>T. VCF-style: chr8-1957097-C-T. GRCh37 (hg19) VCF-style: chr8-1905263-C-T.
Other names: c.3755C>T, p.Ser1252Leu (NM_001308152.2); c.3869C>T, p.Ser1290Leu (NM_001308153.3); short protein forms S1252L, S1290L, S1314L.
Identifiers: ClinVar variation 993850 (VCV000993850.31), dbSNP rs150226594, ClinGen allele CA4601511.

ClinVar aggregate classification (germline): Conflicting classifications of pathogenicity. Review status: criteria provided, conflicting classifications (1 of 4 stars). 4 submissions from 4 submitters: Uncertain significance (3); Likely benign (1). Last evaluated 2026-01-06.

Conditions:
Autosomal dominant slowed nerve conduction velocity. Identifiers: Orphanet 140481, MedGen C1842357, MONDO:0011998, OMIM 608236.

Allele frequency attached by ClinVar (database versions not stated): 1000 Genomes Project 30x 0.00016; 1000 Genomes Project 0.00020; TOPMed 0.00028; gnomAD exomes 0.00032 and 0.00038; ExAC 0.00037; ESP Exome Variant Server 0.00038; gnomAD 0.00040 and 0.00041.
gnomAD v4.1: 599 of 1,613,346 alleles (0.037%); highest among the groups gnomAD compares: Non-Finnish European, 0.045%; 2 homozygotes.

Submissions (4):

Women's Health and Genetics/Laboratory Corporation of America, LabCorp
Classification: Uncertain significance. Last evaluated: 2026-01-06. Review status: criteria provided, single submitter. Criteria: LabCorp Variant Classification Summary - May 2015. Collection method: clinical testing. Allele origin: germline.
Comment: Variant summary: ARHGEF10 c.3869C>T (p.Ser1290Leu) results in a non-conservative amino acid change in the encoded protein sequence. Algorithms developed to predict the effect of missense changes on protein structure and function are either unavailable or do not agree on the potential impact of this missense change. The variant allele was found at a frequency of 0.00032 in 250430 control chromosomes in the gnomAD database, including 2 homozygotes. This frequency is not significantly higher than estimated for disease-causing variants in ARHGEF10, allowing no conclusion about variant significance. To our knowledge, no occurrence of c.3869C>T in individuals affected with ARHGEF10-related conditions and no experimental evidence demonstrating its impact on protein function have been reported. ClinVar contains an entry for this variant (Variation ID: 993850). Based on the evidence outlined above, the variant was classified as uncertain significance.

Labcorp Genetics (formerly Invitae), Labcorp
Classification: Uncertain significance. Last evaluated: 2025-12-06. Review status: criteria provided, single submitter. Criteria: Invitae Variant Classification Sherloc (09022015). Collection method: clinical testing. Allele origin: germline.
Comment: This sequence change replaces serine, which is neutral and polar, with leucine, which is neutral and non-polar, at codon 1290 of the ARHGEF10 protein (p.Ser1290Leu). This variant is present in population databases (rs150226594, gnomAD 0.06%), and has an allele count higher than expected for a pathogenic variant. This variant has not been reported in the literature in individuals affected with ARHGEF10-related conditions. ClinVar contains an entry for this variant (Variation ID: 993850). An algorithm developed to predict the effect of missense changes on protein structure and function outputs the following: PolyPhen-2: "Benign". The leucine amino acid residue is found in multiple mammalian species, which suggests that this missense change does not adversely affect protein function. In summary, the available evidence is currently insufficient to determine the role of this variant in disease. Therefore, it has been classified as a Variant of Uncertain Significance.

CeGaT Center for Human Genetics Tuebingen
Classification: Likely benign. Last evaluated: 2024-07-01. Review status: criteria provided, single submitter. Criteria: CeGaT Center For Human Genetics Tuebingen Variant Classification Criteria Version 2. Collection method: clinical testing. Allele origin: germline. Affected: yes. Observed: 1 variant allele.
Comment: ARHGEF10: BP4, BS2

ARUP Laboratories, Molecular Genetics and Genomics, ARUP Laboratories
Classification: Uncertain significance for Autosomal dominant slowed nerve conduction velocity. Last evaluated: 2019-09-23. Review status: criteria provided, single submitter. Criteria: ARUP Molecular Germline Variant Investigation Process. Collection method: clinical testing. Allele origin: germline.